The following is an entry in ClinVar:

ClinVar aggregate classification (germline): Benign (1 of 4 stars; one submission).

Conditions:
COL8A1-related disorder. Also called: COL8A1-related condition.

gnomAD v4.1: 1,429 of 1,599,146 alleles (0.089%); highest among the groups gnomAD compares: African/African-American, 1.7%; 10 homozygotes.

Submission:

PreventionGenetics, part of Exact Sciences
Classification: Benign for COL8A1-related condition. Last evaluated: 2026-07-28. Review status: criteria provided, single submitter. Criteria: ACMG Guidelines, 2015. Collection method: clinical testing. Allele origin: germline.
Comment: This variant is classified as benign based on ACMG/AMP sequence variant interpretation guidelines (Richards et al. 2015 PMID: 25741868, with internal and published modifications).

NM_020351.4(COL8A1):c.1012C>T (p.Leu338=)

Gene: COL8A1 (collagen type VIII alpha 1 chain; plus strand). Cytogenetic location: 3q12.1.
Variant type: single nucleotide variant.
Coding change: c.1012C>T on transcript NM_020351.4 (MANE Select); coding-DNA position 1012, C replaced by T.
Protein change: p.Leu338=; no amino-acid change (leucine 338 retained).
Molecular consequence: synonymous variant.
Genome position (GRCh38, 1-based): chr3:99,794,913, C>T. VCF-style: chr3-99794913-C-T. GRCh37 (hg19) VCF-style: chr3-99513757-C-T.
Other names: c.1012C>T, p.Leu338= (NM_001850.5).
Identifiers: ClinVar variation 4989781 (VCV004989781.1).